The following is an entry in ClinVar:

ClinVar aggregate classification (germline): Conflicting classifications of pathogenicity. Review status: criteria provided, conflicting classifications (1 of 4 stars). 4 submissions from 3 submitters: Uncertain significance (3); Benign (1). Last evaluated 2022-02-06.

Conditions:
Familial hyperinsulinism. Also called: Congenital hyperinsulinism. Identifiers: Orphanet 276525, MedGen C3888018, MONDO:0017182. Disease mechanism: loss of function.
Maturity-onset diabetes of the young type 1. Also called: MODY, type I; MILD JUVENILE DIABETES MELLITUS; MODY type 1; Diabetes mellitus MODY type 1; MODY HNF4A related; HNF4A-Related Maturity-Onset Diabetes of the Young Type 1. Identifiers: Orphanet 552, MedGen C1852093, MONDO:0007452, OMIM 125850. Disease mechanism: loss of function.
Type 2 diabetes mellitus. Also called: Type II diabetes mellitus. Identifiers: MedGen C0011860, MeSH D003924, MONDO:0005148, OMIM 125853, HP:0005978.
Fanconi renotubular syndrome 4 with maturity-onset diabetes of the young (FRTS4). Also called: FRTS4 WITH MODY. Identifiers: Orphanet 93111, MedGen C4014962, MONDO:0014458, OMIM 616026.
Maturity-onset diabetes of the young (MODY). Also called: Maturity onset diabetes mellitus in young. Identifiers: Orphanet 552, MedGen C0342276, MONDO:0018911, HP:0004904.

Allele frequency attached by ClinVar (database versions not stated): TOPMed 0.00006.

Submissions (4):

Fulgent Genetics
Classification: Uncertain significance for Maturity-onset diabetes of the young type 1; Type 2 diabetes mellitus; Fanconi renotubular syndrome 4 with maturity-onset diabetes of the young. Last evaluated: 2022-02-06. Review status: criteria provided, single submitter. Criteria: ACMG Guidelines, 2015. Collection method: clinical testing. Allele origin: unknown.

Illumina Laboratory Services, Illumina
Classification: Uncertain significance for Maturity-onset diabetes of the young type 1. Last evaluated: 2018-01-13. Review status: criteria provided, single submitter. Criteria: ICSL Variant Classification Criteria 13 December 2019. Collection method: clinical testing. Allele origin: germline.

Illumina Laboratory Services, Illumina
Classification: Uncertain significance for Familial hyperinsulinism. Last evaluated: 2018-01-13. Review status: criteria provided, single submitter. Criteria: ICSL Variant Classification Criteria 13 December 2019. Collection method: clinical testing. Allele origin: germline.

Clinical Genomics, Uppaluri K&H Personalized Medicine Clinic
Classification: Benign for Maturity-onset diabetes of the young. Review status: criteria provided, single submitter. Criteria: K & H Uppaluri Personalized Medicine Clinic Variant Classification & Assertion Criteria_Updated V.1. Collection method: research. Allele origin: unknown. Inheritance: Autosomal dominant inheritance.
Comment: Potent mutations in HNF4A are associated with poor insulin secretion in response to hyperglycemia. Associated with MODY1. Patients initially respond well to sulfonylureas but eventually become insulin dependent. However, more evidence is required to ascertain the role of this particular variant rs200905283 in MODY, yet.

Literature cited by the submitters: PubMed 18268044 (cited by Clinical Genomics, Uppaluri K&H Personalized Medicine Clinic); PubMed 17563455 (cited by Clinical Genomics, Uppaluri K&H Personalized Medicine Clinic); PubMed 32583173 (cited by Clinical Genomics, Uppaluri K&H Personalized Medicine Clinic); PubMed 35052457 (cited by Clinical Genomics, Uppaluri K&H Personalized Medicine Clinic); PubMed 35118593 (cited by Clinical Genomics, Uppaluri K&H Personalized Medicine Clinic); DOI 10.1159/000334532 (cited by Clinical Genomics, Uppaluri K&H Personalized Medicine Clinic).

NM_175914.5(HNF4A):c.*145T>A

Gene: HNF4A (hepatocyte nuclear factor 4 alpha; plus strand). Cytogenetic location: 20q13.12.
Variant type: single nucleotide variant.
Coding change: c.*145T>A on transcript NM_175914.5 (MANE Select); 145 bases downstream of the stop codon, T replaced by A.
Molecular consequence: 3 prime UTR variant.
Genome position (GRCh38, 1-based): chr20:44,429,810, T>A. VCF-style: chr20-44429810-T-A. GRCh37 (hg19) VCF-style: chr20-43058450-T-A.
Other names: c.*145T>A (NM_000457.6, NM_001030003.3, NM_001258355.2 and 3 more transcripts).
Identifiers: ClinVar variation 338432 (VCV000338432.7), dbSNP rs200905283, ClinGen allele CA10643876.